The following is an entry in ClinVar:

ClinVar aggregate classification (germline): Likely benign. Review status: criteria provided, single submitter (1 of 4 stars). 2 submissions from 2 submitters: Likely benign (1). 1 of the submissions does not count toward it. Last evaluated 2026-01-30.

Conditions:
Intellectual developmental disorder, autosomal dominant 46. Also called: MENTAL RETARDATION, AUTOSOMAL DOMINANT 46; Intellectual disability, autosomal dominant 46. Identifiers: MedGen C4539851, MONDO:0030911, OMIM 617601.

Allele frequency attached by ClinVar (database versions not stated): ExAC 0.00001; gnomAD 0.00001; 1000 Genomes Project 30x 0.00016; 1000 Genomes Project 0.00020.
gnomAD v4.1: 2 of 1,614,218 alleles (0.00012%); highest among the groups gnomAD compares: South Asian, 0.0022%; no homozygotes.

Submissions (2):

Centre for Medical Genetics,  Mumbai
Classification: Likely benign for Intellectual developmental disorder, autosomal dominant 46. Last evaluated: 2026-01-30. Review status: criteria provided, single submitter. Criteria: ACMG Guidelines, 2015. Collection method: provider interpretation. Allele origin: germline. Inheritance: Autosomal dominant inheritance. Affected: no. Observed: 1 heterozygote.
Comment: The variant satisfies PS4 criteria; For dominant rare disorders, appeared in affected cases while extremely rare in population (PM2 met), OR, the prevalence of the variant in affected individuals is significantly increased compared to the prevalence in controls The variant satisfies PM2 criteria; Extremely low frequency in gnomAD population databases. The variant satisfies PP2 criteria; Missense variant in a gene with low rate of benign missense mutations and for which missense mutation is a common mechanism of a disease. However, the variant satisfies BS2 criteria.

Payam Genetics Center, General Welfare Department of North Khorasan Province
Classification: Pathogenic for Intellectual developmental disorder, autosomal dominant 46. Last evaluated: 2023-03-01. Review status: no assertion criteria provided. Collection method: clinical testing. Allele origin: germline. Affected: yes. Observed: 1 variant allele. Not counted in ClinVar's aggregate classification.
Comment: The KCNQ5 c.1985A>G (p.Asp662Gly) is a missense mutation and results at the protein level is a dysfunctional predicted lead to disease. This variant is not present in 1000 Genome, ExAC, GnomAD exome, genome Iranian population databases. This variant has not been reported in the literature in individuals affected with KCNQ5-related conditions. For these reasons, this variant has been classified as Pathogenic.

Literature cited by the submitters: PubMed 28669405 (cited by Centre for Medical Genetics,  Mumbai).

NM_019842.4(KCNQ5):c.1985A>G (p.Asp662Gly)

Gene: KCNQ5 (potassium voltage-gated channel subfamily Q member 5; plus strand). Cytogenetic location: 6q13.
Variant type: single nucleotide variant.
Coding change: c.1985A>G on transcript NM_019842.4 (MANE Select); coding-DNA position 1985, A replaced by G.
Protein change: p.Asp662Gly; replaces aspartic acid 662 with glycine.
Molecular consequence: missense variant.
Genome position (GRCh38, 1-based): chr6:73,194,600, A>G. VCF-style: chr6-73194600-A-G. GRCh37 (hg19) VCF-style: chr6-73904323-A-G.
Other names: c.1958A>G, p.Asp653Gly (NM_001160130.2); c.2015A>G, p.Asp672Gly (NM_001160132.2); c.2042A>G, p.Asp681Gly (NM_001160133.2); c.1655A>G, p.Asp552Gly (NM_001160134.2); short protein forms D552G, D653G, D662G, D672G, D681G.
Identifiers: ClinVar variation 2500148 (VCV002500148.3), dbSNP rs530101249, ClinGen allele CA3887181.